The following is an entry in ClinVar:

ClinVar aggregate classification (germline): Pathogenic (1 of 4 stars; one submission).

Conditions:
Fetal anomalies with a likely genetic cause.

Submission:

Genetics Laboratory, Great Ormond Street Hospital NHS Foundation Trust, North Thames Genomic Laboratory Hub
Classification: Pathogenic for Fetal anomalies with a likely genetic cause. Last evaluated: 2026-09-09. Review status: criteria provided, single submitter. Criteria: ACGS Best Practice Guidelines for Variant Classification in Rare Disease 2024 v1.2. Collection method: clinical testing. Allele origin: germline. Affected: yes.
Comment: PM2_moderate, PVS1_very-strong, PS2_moderate

NM_001429.4(EP300):c.1168+1del

Gene: EP300 (EP300 lysine acetyltransferase; plus strand). Cytogenetic location: 22q13.2.
Variant type: Deletion.
Coding change: c.1168+1del on transcript NM_001429.4 (MANE Select); the canonical splice donor site of the intron after coding-DNA position 1168, one base deleted (G; older notation c.1168+1delG).
Molecular consequence: splice donor variant.
Genome position (GRCh38, 1-based): chr22:41,127,749, G deleted; the last of 2 consecutive G bases (chr22:41,127,748-41,127,749); deleting either gives the same sequence. VCF-style (leftmost placement, unchanged base first): chr22-41127747-AG-A. GRCh37 (hg19) VCF-style: chr22-41523751-AG-A.
Other names: c.1168+1del (NM_001362843.2).
Identifiers: ClinVar variation 5042493 (VCV005042493.1).
Genomic context (GRCh38, chr22:41,127,747, plus strand): 5'-TCGCACAATGAAGAATGTCCTAAACCACATGACACACTGCCAGTCAGGCAAGTCTTGCCA[AG>A]GTAAGTGGACCCACAGGGTTACTGTACTTAGCAATTTTTACAGCCAGGGAGAAGAAGGAA-3'